The following is an entry in ClinVar:

ClinVar aggregate classification (germline): Uncertain significance. Review status: criteria provided, multiple submitters, no conflicts (2 of 4 stars). 2 submissions from 2 submitters: Uncertain significance (2). Last evaluated 2024-04-22.

Conditions:
TNNC1-related disorder. Also called: TNNC1-related condition.

Submissions (2):

Blueprint Genetics
Classification: Uncertain significance. Last evaluated: 2024-04-22. Review status: criteria provided, single submitter. Criteria: ACMG Guidelines, 2015. Collection method: clinical testing. Allele origin: germline.

PreventionGenetics, part of Exact Sciences
Classification: Uncertain significance for TNNC1-related condition. Last evaluated: 2023-01-31. Review status: criteria provided, single submitter. Criteria: ACMG Guidelines, 2015. Collection method: clinical testing. Allele origin: germline.
Comment: The TNNC1 c.55+2T>C variant is predicted to disrupt the GT donor site and interfere with normal splicing. To our knowledge, this variant has not been reported in the literature or in a large population database, indicating it is rare. A small number of variants predicted to affect splicing by in silico or RNA analysis have been reported in individuals with dilated cardiomyopathy (see for example, Verdonschot et al. 2020. PubMed ID: 32880476). Although we suspect that the c.55+2T>C variant may be pathogenic, at this time, the clinical significance of this variant is uncertain due to the absence of conclusive functional and genetic evidence.

NM_003280.3(TNNC1):c.55+2T>C

Gene: TNNC1 (troponin C1, slow skeletal and cardiac type; minus strand). Cytogenetic location: 3p21.1.
Variant type: single nucleotide variant.
Coding change: c.55+2T>C on transcript NM_003280.3 (MANE Select); the canonical splice donor site of the intron after coding-DNA position 55, T replaced by C.
Molecular consequence: splice donor variant.
Genome position (GRCh38, 1-based): chr3:52,452,481, A>G on the plus strand (T>C on the coding strand, the complement: TNNC1 is on the minus strand). VCF-style: chr3-52452481-A-G. GRCh37 (hg19) VCF-style: chr3-52486497-A-G.
Identifiers: ClinVar variation 2630503 (VCV002630503.2), dbSNP rs113940230, ClinGen allele CA353169805.
Genomic context (GRCh38, chr3:52,452,481, plus strand): 5'-TAAGGGGTCCCCATGCCAGCCTGGACCCGCTGGTCTCCCACATGTGTGATAGGGATTCTC[A>G]CCATTTTTCTGCTCTTCTGTCAGCTGCTCTACCTAGAAAGGAAAGGGAATCTCAAGGCTC-3'